The following is an entry in ClinVar:

NM_001567.4(INPPL1):c.3617G>A (p.Arg1206Gln)

Gene: INPPL1 (inositol polyphosphate phosphatase like 1; plus strand). Cytogenetic location: 11q13.4.
Variant type: single nucleotide variant.
Coding change: c.3617G>A on transcript NM_001567.4 (MANE Select); coding-DNA position 3617, G replaced by A.
Protein change: p.Arg1206Gln; replaces arginine 1206 with glutamine.
Molecular consequence: missense variant.
Genome position (GRCh38, 1-based): chr11:72,238,106, G>A. VCF-style: chr11-72238106-G-A. GRCh37 (hg19) VCF-style: chr11-71949150-G-A.
Other names: short protein forms R1206Q.
Identifiers: ClinVar variation 2996151 (VCV002996151.1), dbSNP rs772149044, ClinGen allele CA6170712.
Genomic context (GRCh38, chr11:72,238,106, plus strand): 5'-CGTGCCTGCAGGGCGGGCGGGCCAGCGGGCTGGGCGAGGCAGGCATGAGTGCCTGGCTGC[G>A]GGCCATCGGCTTGGAGCGCTATGAGGAGGGCCTGGTGCATAATGGCTGGGACGACCTGGA-3'
Protein context (NP_001558.3, residues 1196-1216): LGEAGMSAWL[Arg1206Gln]AIGLERYEEG

ClinVar aggregate classification (germline): Uncertain significance (1 of 4 stars; one submission).

Allele frequency attached by ClinVar (database versions not stated): ExAC 0.00001; gnomAD exomes 0.00001; TOPMed 0.00002.
gnomAD v4.1: 11 of 1,583,844 alleles (0.00069%); highest among the groups gnomAD compares: Non-Finnish European, 0.00094%; no homozygotes.

Submission:

Labcorp Genetics (formerly Invitae), Labcorp
Classification: Uncertain significance. Last evaluated: 2023-07-31. Review status: criteria provided, single submitter. Criteria: Invitae Variant Classification Sherloc (09022015). Collection method: clinical testing. Allele origin: germline.
Comment: In summary, the available evidence is currently insufficient to determine the role of this variant in disease. Therefore, it has been classified as a Variant of Uncertain Significance. An algorithm developed to predict the effect of missense changes on protein structure and function (PolyPhen-2) suggests that this variant¬†is likely to be tolerated. This variant has not been reported in the literature in individuals affected with INPPL1-related conditions. The frequency data for this variant in the population databases is considered unreliable, as metrics indicate poor data quality at this position in the gnomAD database. This sequence change replaces arginine, which is basic and polar, with glutamine, which is neutral and polar, at codon 1206 of the INPPL1 protein (p.Arg1206Gln).